The following is an entry in ClinVar:

ClinVar aggregate classification (germline): Likely benign. Review status: criteria provided, multiple submitters, no conflicts (2 of 4 stars). 3 submissions from 3 submitters: Likely benign (3). Last evaluated 2026-01-12.

Conditions:
Autosomal recessive limb-girdle muscular dystrophy type 2L (LGMDR12). Also called: Limb-Girdle Muscular Dystrophy R12 Anoctamin-5-Related (LGMD-R12); Limb-girdle muscular dystrophy, type 2L; MUSCULAR DYSTROPHY, LIMB-GIRDLE, AUTOSOMAL RECESSIVE 12. Identifiers: Orphanet 206549, MedGen C1969785, MONDO:0012652, OMIM 611307.
Gnathodiaphyseal dysplasia (GDD). Also called: GNATHODIAPHYSEAL SCLEROSIS; OSTEOGENESIS IMPERFECTA WITH UNUSUAL SKELETAL LESIONS. Identifiers: Orphanet 53697, MedGen C1833736, MONDO:0008151, OMIM 166260.

Allele frequency attached by ClinVar (database versions not stated): gnomAD exomes 0.00001.
gnomAD v4.1: 27 of 1,610,832 alleles (0.0017%); highest among the groups gnomAD compares: Middle Eastern, 0.016%; no homozygotes.

Submissions (3):

Labcorp Genetics (formerly Invitae), Labcorp
Classification: Likely benign for Autosomal recessive limb-girdle muscular dystrophy type 2L; Gnathodiaphyseal dysplasia. Last evaluated: 2026-01-12. Review status: criteria provided, single submitter. Criteria: Invitae Variant Classification Sherloc (09022015). Collection method: clinical testing. Allele origin: germline.

CeGaT Center for Human Genetics Tuebingen
Classification: Likely benign. Last evaluated: 2024-12-01. Review status: criteria provided, single submitter. Criteria: CeGaT Center For Human Genetics Tuebingen Variant Classification Criteria Version 2. Collection method: clinical testing. Allele origin: germline. Affected: yes. Observed: 2 variant alleles.
Comment: ANO5: BP4, BP7

Blueprint Genetics
Classification: Likely benign. Last evaluated: 2024-10-11. Review status: criteria provided, single submitter. Criteria: ACMG Guidelines, 2015. Collection method: clinical testing. Allele origin: germline.

NM_213599.3(ANO5):c.2448G>A (p.Glu816=)

Gene: ANO5 (anoctamin 5; plus strand). Cytogenetic location: 11p14.3.
Variant type: single nucleotide variant.
Coding change: c.2448G>A on transcript NM_213599.3 (MANE Select); coding-DNA position 2448, G replaced by A.
Protein change: p.Glu816=; no amino-acid change (glutamic acid 816 retained).
Molecular consequence: synonymous variant.
Genome position (GRCh38, 1-based): chr11:22,276,127, G>A. VCF-style: chr11-22276127-G-A. GRCh37 (hg19) VCF-style: chr11-22297673-G-A.
Other names: c.2445G>A, p.Glu815= (NM_001142649.2).
Identifiers: ClinVar variation 1585949 (VCV001585949.31), dbSNP rs760336798, ClinGen allele CA5923588.